The following is an entry in ClinVar:

ClinVar aggregate classification (germline): Likely pathogenic (1 of 4 stars; one submission).

Conditions:
Combined immunodeficiency due to ZAP70 deficiency (IMD48). Also called: Immunodeficiency 48; ZAP70 Deficiency. Identifiers: Orphanet 911, MedGen C2931299, MONDO:0010023, OMIM 269840.

Submission:

Labcorp Genetics (formerly Invitae), Labcorp
Classification: Likely pathogenic for Combined immunodeficiency due to ZAP70 deficiency. Last evaluated: 2024-09-08. Review status: criteria provided, single submitter. Criteria: Invitae Variant Classification Sherloc (09022015). Collection method: clinical testing. Allele origin: germline.
Comment: This sequence change affects an acceptor splice site in intron 9 of the ZAP70 gene. It is expected to disrupt RNA splicing. Variants that disrupt the donor or acceptor splice site typically lead to a loss of protein function (PMID: 16199547), and loss-of-function variants in ZAP70 are known to be pathogenic (PMID: 8202712). This variant is not present in population databases (gnomAD no frequency). This variant has not been reported in the literature in individuals affected with ZAP70-related conditions. Algorithms developed to predict the effect of sequence changes on RNA splicing suggest that this variant may disrupt the consensus splice site. In summary, the currently available evidence indicates that the variant is pathogenic, but additional data are needed to prove that conclusively. Therefore, this variant has been classified as Likely Pathogenic.

Literature cited by the submitters: PubMed 16199547; PubMed 8202712.

NM_001079.4(ZAP70):c.1083-1G>A

Gene: ZAP70 (zeta chain of T cell receptor associated protein kinase 70; plus strand). Cytogenetic location: 2q11.2.
Variant type: single nucleotide variant.
Coding change: c.1083-1G>A on transcript NM_001079.4 (MANE Select); the canonical splice acceptor site of the intron before coding-DNA position 1083, G replaced by A.
Molecular consequence: splice acceptor variant.
Genome position (GRCh38, 1-based): chr2:97,735,249, G>A. VCF-style: chr2-97735249-G-A. GRCh37 (hg19) VCF-style: chr2-98351712-G-A.
Other names: c.1083-1G>A (NM_001378594.1); c.162-1G>A (NM_207519.2).
Identifiers: ClinVar variation 3666897 (VCV003666897.2).
Genomic context (GRCh38, chr2:97,735,249, plus strand): 5'-TGTGGGGCCGAGCAGGGCCGGTGCCCCTCGCCCACGTGCCTCCCGTGGCCGGGTCGGGCA[G>A]GAAGCAGATCGACGTGGCCATCAAGGTGCTGAAGCAGGGCACGGAGAAGGCAGACACGGA-3'